The following is an entry in ClinVar:

NM_000179.3(MSH6):c.1155G>A (p.Arg385=)

Gene: MSH6 (mutS homolog 6; plus strand). Cytogenetic location: 2p16.3.
Variant type: single nucleotide variant.
Coding change: c.1155G>A on transcript NM_000179.3 (MANE Select); coding-DNA position 1155, G replaced by A.
Protein change: p.Arg385=; no amino-acid change (arginine 385 retained).
Molecular consequence: synonymous variant.
Genome position (GRCh38, 1-based): chr2:47,799,138, G>A. VCF-style: chr2-47799138-G-A. GRCh37 (hg19) VCF-style: chr2-48026277-G-A.
Other names: c.765G>A, p.Arg255= (NM_001281492.2); c.249G>A, p.Arg83= (NM_001281493.2, NM_001281494.2).
Identifiers: ClinVar variation 506536 (VCV000506536.3), dbSNP rs991563019, ClinGen allele CA46707496.

ClinVar aggregate classification (germline): Likely benign. Review status: criteria provided, multiple submitters, no conflicts (2 of 4 stars). 2 submissions from 2 submitters: Likely benign (2). Last evaluated 2022-08-15.

Conditions:
Hereditary cancer-predisposing syndrome. Also called: Hereditary neoplastic syndrome; Hereditary Cancer Syndrome; Neoplastic Syndromes, Hereditary; Tumor predisposition. Identifiers: Orphanet 140162, MedGen C0027672, MeSH D009386, MONDO:0015356.

gnomAD v4.1: 1 of 1,613,342 alleles (0.000062%); highest among the groups gnomAD compares: Non-Finnish European, 0.000085%; no homozygotes.

Submissions (2):

Color Diagnostics, LLC DBA Color Health
Classification: Likely benign for Hereditary cancer-predisposing syndrome. Last evaluated: 2022-08-15. Review status: criteria provided, single submitter. Criteria: ACMG Guidelines, 2015. Collection method: clinical testing. Allele origin: germline.

GeneDx
Classification: Likely benign. Last evaluated: 2017-04-03. Review status: criteria provided, single submitter. Criteria: GeneDx Variant Classification (06012015). Collection method: clinical testing. Allele origin: germline. Affected: yes.
Comment: This variant is considered likely benign or benign based on one or more of the following criteria: it is a conservative change, it occurs at a poorly conserved position in the protein, it is predicted to be benign by multiple in silico algorithms, and/or has population frequency not consistent with disease.